The following is an entry in ClinVar:

NM_020964.3(EPG5):c.727T>C (p.Tyr243His)

Gene: EPG5 (ectopic P-granules 5 autophagy tethering factor; minus strand). Cytogenetic location: 18q21.1.
Variant type: single nucleotide variant.
Coding change: c.727T>C on transcript NM_020964.3 (MANE Select); coding-DNA position 727, T replaced by C.
Protein change: p.Tyr243His; replaces tyrosine 243 with histidine.
Molecular consequence: missense variant.
Genome position (GRCh38, 1-based): chr18:45,954,675, A>G on the plus strand (T>C on the coding strand, the complement: EPG5 is on the minus strand). VCF-style: chr18-45954675-A-G. GRCh37 (hg19) VCF-style: chr18-43534641-A-G.
Other names: c.727T>C, p.Tyr243His (NM_001410858.1, NM_001410859.1); short protein forms Y243H.
Identifiers: ClinVar variation 2127654 (VCV002127654.4), dbSNP rs2050985627, ClinGen allele CA402351107.

ClinVar aggregate classification (germline): Uncertain significance (1 of 4 stars; one submission).

Conditions:
Vici syndrome (VICIS). Identifiers: Orphanet 1493, MedGen C1855772, MONDO:0009452, OMIM 242840.

Allele frequency attached by ClinVar (database versions not stated): gnomAD exomes below 0.00001.
gnomAD v4.1: 2 of 1,614,264 alleles (0.00012%); highest among the groups gnomAD compares: Non-Finnish European, 0.00017%; no homozygotes.

Submission:

Labcorp Genetics (formerly Invitae), Labcorp
Classification: Uncertain significance for Vici syndrome. Last evaluated: 2022-04-18. Review status: criteria provided, single submitter. Criteria: Invitae Variant Classification Sherloc (09022015). Collection method: clinical testing. Allele origin: germline.
Comment: In summary, the available evidence is currently insufficient to determine the role of this variant in disease. Therefore, it has been classified as a Variant of Uncertain Significance. Algorithms developed to predict the effect of missense changes on protein structure and function are either unavailable or do not agree on the potential impact of this missense change (SIFT: "Deleterious"; PolyPhen-2: "Probably Damaging"; Align-GVGD: "Class C0"). This variant has not been reported in the literature in individuals affected with EPG5-related conditions. This variant is not present in population databases (gnomAD no frequency). This sequence change replaces tyrosine, which is neutral and polar, with histidine, which is basic and polar, at codon 243 of the EPG5 protein (p.Tyr243His).